The following is an entry in ClinVar:

NM_002609.4(PDGFRB):c.920A>G (p.Asn307Ser)

Gene: PDGFRB (platelet derived growth factor receptor beta; minus strand). Cytogenetic location: 5q32.
Variant type: single nucleotide variant.
Coding change: c.920A>G on transcript NM_002609.4 (MANE Select); coding-DNA position 920, A replaced by G.
Protein change: p.Asn307Ser; replaces asparagine 307 with serine.
Molecular consequence: missense variant.
Genome position (GRCh38, 1-based): chr5:150,133,600, T>C on the plus strand (A>G on the coding strand, the complement: PDGFRB is on the minus strand). VCF-style: chr5-150133600-T-C. GRCh37 (hg19) VCF-style: chr5-149513163-T-C.
Other names: c.728A>G, p.Asn243Ser (NM_001355016.2); c.437A>G, p.Asn146Ser (NM_001355017.2); short protein forms N146S, N243S, N307S.
Identifiers: ClinVar variation 3253537 (VCV003253537.2), dbSNP rs775536586.
Genomic context (GRCh38, chr5:150,133,600, plus strand): 5'-GGAGCGTTGAAGGAATTGGGGATTGGGCTGAGCCCAAGGCACACACCAACCACGGTGATG[T>C]TGATGGCCTTTTCATCCTGATGGTCATTCACACTCTCCGTCACATTGCAGGTGTAGGTCC-3'
Protein context (NP_002600.1, residues 297-317): VNDHQDEKAI[Asn307Ser]ITVVESGYVR

ClinVar aggregate classification (germline): Uncertain significance. Review status: criteria provided, multiple submitters, no conflicts (2 of 4 stars). 2 submissions from 2 submitters: Uncertain significance (2). Last evaluated 2025-08-08.

Conditions:
Inborn genetic diseases. Identifiers: MedGen C0950123, MeSH D030342.

Allele frequency attached by ClinVar (database versions not stated): gnomAD 0.00001.
gnomAD v4.1: 1 of 1,614,058 alleles (0.000062%); highest among the groups gnomAD compares: Middle Eastern, 0.017%; no homozygotes.

Submissions (2):

Ambry Genetics
Classification: Uncertain significance for Inborn genetic diseases. Last evaluated: 2025-08-08. Review status: criteria provided, single submitter. Criteria: Ambry Variant Classification Scheme 2023. Collection method: clinical testing. Allele origin: germline.

GeneDx
Classification: Uncertain significance. Last evaluated: 2023-06-13. Review status: criteria provided, single submitter. Criteria: GeneDx Variant Classification Process June 2021. Collection method: clinical testing. Allele origin: germline. Affected: yes.
Comment: Not observed at significant frequency in large population cohorts (gnomAD); In silico analysis supports that this missense variant does not alter protein structure/function; Has not been previously published as pathogenic or benign to our knowledge